The following is an entry in ClinVar:

ClinVar aggregate classification (germline): Benign/Likely benign. Review status: criteria provided, multiple submitters, no conflicts (2 of 4 stars). 8 submissions from 8 submitters: Benign (1); Likely benign (4). 3 of the submissions do not count toward it. Last evaluated 2026-06-01.

Conditions:
Developmental and epileptic encephalopathy, 54. Also called: Epileptic encephalopathy, early infantile, 54; HNRNPU-Related Neurodevelopmental Disorder. Identifiers: MedGen C4479319, MONDO:0033363, OMIM 617391.
HNRNPU-related disorder. Also called: HNRNPU-related condition.
Inborn genetic diseases. Identifiers: MedGen C0950123, MeSH D030342.

Allele frequency attached by ClinVar (database versions not stated): gnomAD 0.00001; gnomAD exomes 0.00002 and 0.00010; TOPMed 0.00005; ExAC 0.00007.
gnomAD v4.1: 54 of 1,613,490 alleles (0.0033%); highest among the groups gnomAD compares: East Asian, 0.049%; 1 homozygote.

Submissions (8):

CeGaT Center for Human Genetics Tuebingen
Classification: Likely benign. Last evaluated: 2026-06-01. Review status: criteria provided, single submitter. Criteria: CeGaT Center For Human Genetics Tuebingen Variant Classification Criteria Version 2. Collection method: clinical testing. Allele origin: germline. Affected: yes. Observed: 2 variant alleles.
Comment: HNRNPU: BP4, BP7

Labcorp Genetics (formerly Invitae), Labcorp
Classification: Likely benign for Developmental and epileptic encephalopathy, 54. Last evaluated: 2025-09-10. Review status: criteria provided, single submitter. Criteria: Invitae Variant Classification Sherloc (09022015). Collection method: clinical testing. Allele origin: germline.

Blueprint Genetics
Classification: Likely benign. Last evaluated: 2024-11-25. Review status: criteria provided, single submitter. Criteria: ACMG Guidelines, 2015. Collection method: clinical testing. Allele origin: germline.

GeneDx
Classification: Benign. Last evaluated: 2019-12-30. Review status: criteria provided, single submitter. Criteria: GeneDx Variant Classification Process June 2021. Collection method: clinical testing. Allele origin: germline. Affected: yes.

Ambry Genetics
Classification: Likely benign for Inborn genetic diseases. Last evaluated: 2018-09-30. Review status: criteria provided, single submitter. Criteria: Ambry Variant Classification Scheme 2023. Collection method: clinical testing. Allele origin: germline.

PreventionGenetics, part of Exact Sciences
Classification: Likely benign for HNRNPU-related condition. Last evaluated: 2019-02-21. Review status: no assertion criteria provided. Collection method: clinical testing. Allele origin: germline. Not counted in ClinVar's aggregate classification.
Comment: This variant is classified as likely benign based on ACMG/AMP sequence variant interpretation guidelines (Richards et al. 2015 PMID: 25741868, with internal and published modifications).

Clinical Genetics DNA and cytogenetics Diagnostics Lab, Erasmus MC, Erasmus Medical Center
Classification: Likely benign. Review status: no assertion criteria provided. Collection method: clinical testing. Allele origin: germline. Affected: yes. Study: VKGL Data-share Consensus. Not counted in ClinVar's aggregate classification.

Genome Diagnostics Laboratory, University Medical Center Utrecht
Classification: Likely benign. Review status: no assertion criteria provided. Collection method: clinical testing. Allele origin: germline. Affected: yes. Study: VKGL Data-share Consensus. Not counted in ClinVar's aggregate classification.

NM_031844.3(HNRNPU):c.2193T>C (p.Asn731=)

Gene: HNRNPU (heterogeneous nuclear ribonucleoprotein U; minus strand). Cytogenetic location: 1q44.
Variant type: single nucleotide variant.
Coding change: c.2193T>C on transcript NM_031844.3 (MANE Select); coding-DNA position 2193, T replaced by C.
Protein change: p.Asn731=; no amino-acid change (asparagine 731 retained).
Molecular consequence: synonymous variant.
Genome position (GRCh38, 1-based): chr1:244,855,583, A>G on the plus strand (T>C on the coding strand, the complement: HNRNPU is on the minus strand). VCF-style: chr1-244855583-A-G. GRCh37 (hg19) VCF-style: chr1-245018885-A-G.
Other names: c.2136T>C, p.Asn712= (NM_004501.3).
Identifiers: ClinVar variation 414100 (VCV000414100.27), dbSNP rs372228779, ClinGen allele CA1486283.
Genomic context (GRCh38, chr1:244,855,583, plus strand): 5'-ATAGCCGATTCCACCACTTCCTCCACCGCCACCACCTCTCTGTGGCATGTTGCCCCTCCT[A>G]TTATATCCGCCACGATTCCCAGGGGCTAAAAGACAAGAGCTGTTTTAGTTTCATTGTATA-3'
Protein context (NP_114032.2, residues 721-741): GGAPGNRGGY[Asn731=]RRGNMPQRGG